The following is an entry in ClinVar:

NM_080680.3(COL11A2):c.3031C>G (p.Pro1011Ala)

Gene: COL11A2 (collagen type XI alpha 2 chain; minus strand). Cytogenetic location: 6p21.32.
Variant type: single nucleotide variant.
Coding change: c.3031C>G on transcript NM_080680.3 (MANE Select); coding-DNA position 3031, C replaced by G.
Protein change: p.Pro1011Ala; replaces proline 1011 with alanine.
Molecular consequence: missense variant.
Genome position (GRCh38, 1-based): chr6:33,172,061, G>C on the plus strand (C>G on the coding strand, the complement: COL11A2 is on the minus strand). VCF-style: chr6-33172061-G-C. GRCh37 (hg19) VCF-style: chr6-33139838-G-C.
Other names: c.2710C>G, p.Pro904Ala (NM_080679.3); c.2773C>G, p.Pro925Ala (NM_080681.3); short protein forms P1011A, P904A, P925A.
Identifiers: ClinVar variation 517635 (VCV000517635.4), dbSNP rs997533180, ClinGen allele CA363636630.
Genomic context (GRCh38, chr6:33,172,061, plus strand): 5'-CCACCCCTTTCCCGGGTCCTTCCTACCACTTCCGGAACCCCAGACTCACTGCAGGGCCAG[G>C]GGGGCCAGACGGACCTTCATTCCCCTTCAAACCAGGTCCACCCTATGAACCAGACATTTG-3'
Protein context (NP_542411.2, residues 1001-1021): LKGNEGPSGP[Pro1011Ala]GPAGSPGERG

ClinVar aggregate classification (germline): Uncertain significance (1 of 4 stars; one submission).

gnomAD v4.1: 1 of 1,613,054 alleles (0.000062%); highest among the groups gnomAD compares: Non-Finnish European, 0.000085%; no homozygotes.

Submission:

Laboratory for Molecular Medicine, Mass General Brigham Personalized Medicine
Classification: Uncertain significance. Last evaluated: 2017-11-15. Review status: criteria provided, single submitter. Criteria: LMM Criteria. Collection method: clinical testing. Allele origin: germline. Observed: 1 variant allele.
Comment: The p.Pro1011Ala variant in COL11A2 has not been previously reported in individu als with hearing loss or Stickler Syndrome and was absent from large population studies. Computational prediction tools and conservation analysis suggest that t his variant may impact the protein, though this information is not predictive en ough to determine pathogenicity. In summary, the clinical significance of the p. Pro1011Ala variant is uncertain. ACMG/AMP Criteria applied: PM2, PP3.